The following is an entry in ClinVar:

ClinVar aggregate classification (germline): Uncertain significance. Review status: criteria provided, multiple submitters, no conflicts (2 of 4 stars). 3 submissions from 3 submitters: Uncertain significance (3). Last evaluated 2025-11-22.

Conditions:
Familial cancer of breast. Also called: hereditary breast carcinoma; BREAST CANCER, FAMILIAL; Hereditary breast cancer. Identifiers: Orphanet 227535, MedGen C0346153, MONDO:0016419, OMIM 114480. Disease mechanism: loss of function.
Hereditary cancer-predisposing syndrome. Also called: Neoplastic Syndromes, Hereditary; Hereditary Cancer Syndrome; Tumor predisposition; Hereditary neoplastic syndrome. Identifiers: Orphanet 140162, MedGen C0027672, MeSH D009386, MONDO:0015356.
Ataxia-telangiectasia syndrome (AT). Also called: Ataxia-telangiectasia, complementation group D; AT, COMPLEMENTATION GROUP C; Ataxia-telangiectasia, complementation group E; Cerebello-oculocutaneous telangiectasia; Immunodeficiency with ataxia telangiectasia; ATAXIA-TELANGIECTASIA, COMPLEMENTATION GROUP A. Identifiers: Orphanet 100, MedGen C0004135, MONDO:0008840, OMIM 208900.

Submissions (3):

Labcorp Genetics (formerly Invitae), Labcorp
Classification: Uncertain significance for Ataxia-telangiectasia syndrome. Last evaluated: 2025-11-22. Review status: criteria provided, single submitter. Criteria: Invitae Variant Classification Sherloc (09022015). Collection method: clinical testing. Allele origin: germline.
Comment: This sequence change replaces leucine, which is neutral and non-polar, with proline, which is neutral and non-polar, at codon 580 of the ATM protein (p.Leu580Pro). This variant is not present in population databases (gnomAD no frequency). This variant has not been reported in the literature in individuals affected with ATM-related conditions. ClinVar contains an entry for this variant (Variation ID: 582408). Invitae Evidence Modeling of protein sequence and biophysical properties (such as structural, functional, and spatial information, amino acid conservation, physicochemical variation, residue mobility, and thermodynamic stability) indicates that this missense variant is not expected to disrupt ATM protein function with a negative predictive value of 95%. In summary, the available evidence is currently insufficient to determine the role of this variant in disease. Therefore, it has been classified as a Variant of Uncertain Significance.

Ambry Genetics
Classification: Uncertain significance for Hereditary cancer-predisposing syndrome. Last evaluated: 2024-10-20. Review status: criteria provided, single submitter. Criteria: Ambry Variant Classification Scheme 2023. Collection method: clinical testing. Allele origin: germline.
Comment: The p.L580P variant (also known as c.1739T>C), located in coding exon 10 of the ATM gene, results from a T to C substitution at nucleotide position 1739. The leucine at codon 580 is replaced by proline, an amino acid with similar properties. This amino acid position is conserved. In addition, this alteration is predicted to be deleterious by in silico analysis. Based on the available evidence, the clinical significance of this variant remains unclear.

Baylor Genetics
Classification: Uncertain significance for Familial cancer of breast. Last evaluated: 2024-02-03. Review status: criteria provided, single submitter. Criteria: ACMG Guidelines, 2015. Collection method: clinical testing. Allele origin: unknown.

NM_000051.4(ATM):c.1739T>C (p.Leu580Pro)

Gene: ATM (ATM serine/threonine kinase; plus strand). Cytogenetic location: 11q22.3.
Variant type: single nucleotide variant.
Coding change: c.1739T>C on transcript NM_000051.4 (MANE Select); coding-DNA position 1739, T replaced by C.
Protein change: p.Leu580Pro; replaces leucine 580 with proline.
Molecular consequence: missense variant.
Genome position (GRCh38, 1-based): chr11:108,251,968, T>C. VCF-style: chr11-108251968-T-C. GRCh37 (hg19) VCF-style: chr11-108122695-T-C.
Other names: c.1739T>C, p.Leu580Pro (NM_001351834.2); short protein forms L580P.
Identifiers: ClinVar variation 582408 (VCV000582408.8), dbSNP rs890554688, ClinGen allele CA228391918.